The following is an entry in ClinVar:

ClinVar aggregate classification (germline): Benign. Review status: criteria provided, multiple submitters, no conflicts (2 of 4 stars). 15 submissions from 14 submitters: Benign (13). 2 of the submissions do not count toward it. Last evaluated 2026-02-04.

Conditions:
Megacystis, microcolon, hypoperistalsis syndrome. Also called: Berdon syndrome; Megacystis-microcolon-intestinal hypoperistalsis syndrome. Identifiers: Orphanet 2241, MedGen C1608393, MONDO:0025986.
Familial thoracic aortic aneurysm and aortic dissection (TAAD). Also called: Thoracic aortic aneurysms and dissections. Identifiers: Orphanet 91387, MedGen C4707243, MONDO:0019625.
Aortic aneurysm, familial thoracic 7 (AAT7). Also called: AORTIC DISSECTION, FAMILIAL, WITH OR WITHOUT AORTIC ANEURYSM. Identifiers: MedGen C3151077, MONDO:0013418, OMIM 613780.

Allele frequency attached by ClinVar (database versions not stated): ESP Exome Variant Server 0.94164; gnomAD 0.94358 and 0.94746; 1000 Genomes Project 30x 0.94660; 1000 Genomes Project 0.94788; ExAC 0.98242; gnomAD exomes 0.98476; TOPMed 0.94013.
gnomAD v4.1: 1,595,492 of 1,613,902 alleles (99%); highest among the groups gnomAD compares: East Asian, 100%; 789,789 homozygotes.

Submissions (15):

Labcorp Genetics (formerly Invitae), Labcorp
Classification: Benign for Aortic aneurysm, familial thoracic 7. Last evaluated: 2026-02-04. Review status: criteria provided, single submitter. Criteria: Invitae Variant Classification Sherloc (09022015). Collection method: clinical testing. Allele origin: germline.

Blueprint Genetics
Classification: Benign. Last evaluated: 2024-11-26. Review status: criteria provided, single submitter. Criteria: ACMG Guidelines, 2015. Collection method: clinical testing. Allele origin: germline.

Genome-Nilou Lab
Classification: Benign for Aortic aneurysm, familial thoracic 7. Last evaluated: 2021-09-05. Review status: criteria provided, single submitter. Criteria: ACMG Guidelines, 2015. Collection method: clinical testing. Allele origin: germline. Affected: no.

Genome-Nilou Lab
Classification: Benign for Megacystis-microcolon-intestinal hypoperistalsis syndrome 1. Last evaluated: 2021-09-05. Review status: criteria provided, single submitter. Criteria: ACMG Guidelines, 2015. Collection method: clinical testing. Allele origin: germline. Affected: no.

Illumina Laboratory Services, Illumina
Classification: Benign for Aortic aneurysm, familial thoracic 7. Last evaluated: 2018-01-13. Review status: criteria provided, single submitter. Criteria: ICSL Variant Classification Criteria 13 December 2019. Collection method: clinical testing. Allele origin: germline.
Comment: This variant was observed in the ICSL laboratory as part of a predisposition screen in an ostensibly healthy population. It had not been previously curated by ICSL or reported in the Human Gene Mutation Database (HGMD: prior to June 1st, 2018), and was therefore a candidate for classification through an automated scoring system. Utilizing variant allele frequency, disease prevalence and penetrance estimates, and inheritance mode, an automated score was calculated to assess if this variant is too frequent to cause the disease. Based on the score and internal cut-off values, a variant classified as benign is not then subjected to further curation. The score for this variant resulted in a classification of benign for this disease.

GeneDx
Classification: Benign. Last evaluated: 2016-09-22. Review status: criteria provided, single submitter. Criteria: GeneDx Variant Classification (06012015). Collection method: clinical testing. Allele origin: germline. Affected: yes.
Comment: This variant is considered likely benign or benign based on one or more of the following criteria: it is a conservative change, it occurs at a poorly conserved position in the protein, it is predicted to be benign by multiple in silico algorithms, and/or has population frequency not consistent with disease.

Women's Health and Genetics/Laboratory Corporation of America, LabCorp
Classification: Benign. Last evaluated: 2016-02-11. Review status: criteria provided, single submitter. Criteria: LabCorp Variant Classification Summary - May 2015. Collection method: clinical testing. Allele origin: germline.
Comment: Variant summary: MYLK c.3402C>T variant affects a conserved nucleotide, resulting in no amino acid change. Mutation Taster predicts the variant is a polymorphism, and 5/5 Alamut algorithms predict no significant effect on splicing. However, these predictions have not been verified with functional studies. This variant is found in 119276/121410 control chromosomes (58732 homozygotes) at a frequency of 0.9824232, which is about 78593 times of maximal expected frequency of a pathogenic allele (0.0000125), suggesting this variant is the ancestral allele and is benign. Taken together, this variant was classified as benign.

Eurofins Ntd Llc (ga)
Classification: Benign. Last evaluated: 2015-01-20. Review status: criteria provided, single submitter. Criteria: EGL Classification Definitions 2015. Collection method: clinical testing. Allele origin: germline. Observed: 2 variant alleles, 1 heterozygote, 1 homozygote.

Ambry Genetics
Classification: Benign for Familial thoracic aortic aneurysm and aortic dissection. Last evaluated: 2014-12-30. Review status: criteria provided, single submitter. Criteria: Ambry Variant Classification Scheme 2023. Collection method: clinical testing. Allele origin: germline.

Mayo Clinic Laboratories, Mayo Clinic
Classification: Benign. Last evaluated: 2014-02-05. Review status: criteria provided, single submitter. Criteria: ACMG Guidelines, 2015. Collection method: clinical testing. Allele origin: germline. Observed: 1,472 variant alleles.

Laboratory for Molecular Medicine, Mass General Brigham Personalized Medicine
Classification: Benign. Last evaluated: 2013-04-04. Review status: criteria provided, single submitter. Criteria: LMM Criteria. Collection method: clinical testing. Allele origin: germline. Observed: 30 variant alleles.
Comment: Asn1134Asn in exon 18 of MYLK: This variant is not expected to have clinical sig nificance because it does not alter an amino acid residue and is not located wit hin the splice consensus sequence. It has been identified in 16.5% (728/4406) of African American chromosomes from a broad population by the NHLBI Exome Sequenc ing Project (dbSNP rs865358).

Breakthrough Genomics
Classification: Benign. Review status: criteria provided, single submitter. Criteria: ACMG Guidelines, 2015. Collection method: not provided. Allele origin: germline. Inheritance: Autosomal recessive inheritance. Affected: yes.

PreventionGenetics, part of Exact Sciences
Classification: Benign. Review status: criteria provided, single submitter. Criteria: ACMG Guidelines, 2015. Collection method: clinical testing. Allele origin: germline.

Diagnostic Laboratory, Department of Genetics, University Medical Center Groningen
Classification: Benign for Aortic aneurysm, familial thoracic 7. Review status: no assertion criteria provided. Collection method: clinical testing. Allele origin: germline. Affected: yes. Study: VKGL Data-share Consensus. Not counted in ClinVar's aggregate classification.

Genome Diagnostics Laboratory, Amsterdam University Medical Center
Classification: Benign. Review status: no assertion criteria provided. Collection method: clinical testing. Allele origin: germline. Affected: yes. Study: VKGL Data-share Consensus. Not counted in ClinVar's aggregate classification.

Literature cited by the submitters: PubMed 25333361 (cited by Women's Health and Genetics/Laboratory Corporation of America, LabCorp).

NM_053025.4(MYLK):c.3402C>T (p.Asn1134=)

Gene: MYLK (myosin light chain kinase; minus strand). Cytogenetic location: 3q21.1.
Variant type: single nucleotide variant.
Coding change: c.3402C>T on transcript NM_053025.4 (MANE Select); coding-DNA position 3402, C replaced by T.
Protein change: p.Asn1134=; no amino-acid change (asparagine 1134 retained).
Molecular consequence: synonymous variant.
Genome position (GRCh38, 1-based): chr3:123,700,066, G>A on the plus strand (C>T on the coding strand, the complement: MYLK is on the minus strand). VCF-style: chr3-123700066-G-A. GRCh37 (hg19) VCF-style: chr3-123418913-G-A.
Other names: p.Asn1134=; c.2874C>T, p.Asn958= (NM_001321309.2); c.3195C>T, p.Asn1065= (NM_053026.4, NM_053028.4); c.3402C>T, p.Asn1134= (NM_053027.4).
Identifiers: ClinVar variation 194903 (VCV000194903.31), dbSNP rs865358, ClinGen allele CA024837.